The following is an entry in ClinVar:

ClinVar aggregate classification (germline): Conflicting classifications of pathogenicity. Review status: criteria provided, conflicting classifications (1 of 4 stars). 2 submissions from 2 submitters: Uncertain significance (1); Likely benign (1). Last evaluated 2025-04-23.

Conditions:
Autosomal recessive titinopathy. Identifiers: MedGen CN315649, MONDO:0100493.

gnomAD v4.1: 18 of 1,514,508 alleles (0.0012%); highest among the groups gnomAD compares: Admixed American, 0.002%; no homozygotes.

Submissions (2):

Victorian Clinical Genetics Services, Murdoch Childrens Research Institute
Classification: Uncertain significance for Autosomal recessive titinopathy. Last evaluated: 2025-04-23. Review status: criteria provided, single submitter. Criteria: ACMG Guidelines, 2015. Collection method: clinical testing. Allele origin: germline. Affected: yes.
Comment: This variant is classified as VUS-3C. Evidence in support of pathogenic classification: Variant is present in gnomAD <0.01 (v4: 18 heterozygote(s), 0 homozygote(s)); Evidence in support of benign classification: Missense variant predicted to be tolerated by in silico tool(s) or not conserved in placental mammals with a minor amino acid change. Additional information: Variant is predicted to result in a missense amino acid change from valine to isoleucine; This variant is heterozygous; This gene is associated with both recessive and dominant disease (OMIM); This variant has no previous evidence of pathogenicity; No published segregation evidence has been identified for this variant; No published functional evidence has been identified for this variant; No comparable missense variants have previous evidence for pathogenicity; Variant is not located in an established domain, motif, hotspot or informative constraint region; Loss of function is a known mechanism of disease in this gene. In addition, dominant negative is also a suggested mechanism. (PMID: 25589632); The condition associated with this gene has incomplete penetrance. Variants in this gene that result in a premature termination codon (PTC) are known to have reduced penetrance in DCM (PMID: 25589632).

Blueprint Genetics
Classification: Likely benign. Last evaluated: 2024-03-18. Review status: criteria provided, single submitter. Criteria: ACMG Guidelines, 2015. Collection method: clinical testing. Allele origin: germline.

Literature cited by the submitters: PubMed 25589632 (cited by Victorian Clinical Genetics Services, Murdoch Childrens Research Institute).

NM_001267550.2(TTN):c.97777G>A (p.Val32593Ile)

Genes: TTN (titin; minus strand), TTN-AS1 (TTN antisense RNA 1; plus strand). Cytogenetic location: 2q31.2.
Variant type: single nucleotide variant.
Coding change: c.97777G>A on transcript NM_001267550.2 (MANE Select); coding-DNA position 97777, G replaced by A.
Protein change: p.Val32593Ile; replaces valine 32593 with isoleucine.
Molecular consequence: missense variant.
Genome position (GRCh38, 1-based): chr2:178,541,300, C>T on the plus strand (G>A on the coding strand, the complement: TTN is on the minus strand). VCF-style: chr2-178541300-C-T. GRCh37 (hg19) VCF-style: chr2-179406027-C-T.
Other names: c.92854G>A, p.Val30952Ile (NM_001256850.1); c.70582G>A, p.Val23528Ile (NM_003319.4); c.90073G>A, p.Val30025Ile (NM_133378.4); c.70957G>A, p.Val23653Ile (NM_133432.3); c.71158G>A, p.Val23720Ile (NM_133437.4); short protein forms V23528I, V23653I, V23720I, V30025I, V30952I, V32593I.
Identifiers: ClinVar variation 4531788 (VCV004531788.2).